The following is an entry in ClinVar:

ClinVar aggregate classification (germline): Uncertain significance (1 of 4 stars; one submission).

Submission:

GeneDx
Classification: Uncertain significance. Last evaluated: 2025-02-27. Review status: criteria provided, single submitter. Criteria: GeneDx Variant Classification Process June 2021. Collection method: clinical testing. Allele origin: germline. Affected: yes.
Comment: Not observed at significant frequency in large population cohorts (gnomAD); In silico analysis supports that this missense variant has a deleterious effect on protein structure/function; Has not been previously published as pathogenic or benign to our knowledge

NM_016219.5(MAN1B1):c.981C>G (p.Asn327Lys)

Gene: MAN1B1 (mannosidase alpha class 1B member 1; plus strand). Cytogenetic location: 9q34.3.
Variant type: single nucleotide variant.
Coding change: c.981C>G on transcript NM_016219.5 (MANE Select); coding-DNA position 981, C replaced by G.
Protein change: p.Asn327Lys; replaces asparagine 327 with lysine.
Molecular consequence: missense variant. On other transcripts: non-coding transcript variant (2).
Genome position (GRCh38, 1-based): chr9:137,101,069, C>G. VCF-style: chr9-137101069-C-G. GRCh37 (hg19) VCF-style: chr9-139995521-C-G.
Other names: short protein forms N327K.
Identifiers: ClinVar variation 4077341 (VCV004077341.1).